The following is an entry in ClinVar:

NM_006059.4(LAMC3):c.3051C>A (p.Tyr1017Ter)

Gene: LAMC3 (laminin subunit gamma 3; plus strand). Cytogenetic location: 9q34.12.
Variant type: single nucleotide variant.
Coding change: c.3051C>A on transcript NM_006059.4 (MANE Select); coding-DNA position 3051, C replaced by A.
Protein change: p.Tyr1017Ter; replaces tyrosine 1017 with a stop codon.
Molecular consequence: nonsense.
Genome position (GRCh38, 1-based): chr9:131,069,832, C>A. VCF-style: chr9-131069832-C-A. GRCh37 (hg19) VCF-style: chr9-133945219-C-A.
Other names: short protein forms Y1017*.
Identifiers: ClinVar variation 1426198 (VCV001426198.4), dbSNP rs537864425, ClinGen allele CA5287655.

ClinVar aggregate classification (germline): Pathogenic (1 of 4 stars; one submission).

gnomAD v4.1: 7 of 1,591,376 alleles (0.00044%); highest among the groups gnomAD compares: Non-Finnish European, 0.0006%; no homozygotes.

Submission:

Labcorp Genetics (formerly Invitae), Labcorp
Classification: Pathogenic. Last evaluated: 2021-11-19. Review status: criteria provided, single submitter. Criteria: Invitae Variant Classification Sherloc (09022015). Collection method: clinical testing. Allele origin: germline.
Comment: For these reasons, this variant has been classified as Pathogenic. Algorithms developed to predict the effect of sequence changes on RNA splicing suggest that this variant may create or strengthen a splice site. This variant has not been reported in the literature in individuals affected with LAMC3-related conditions. The frequency data for this variant in the population databases is considered unreliable, as metrics indicate poor data quality at this position in the gnomAD database. This sequence change creates a premature translational stop signal (p.Tyr1017*) in the LAMC3 gene. It is expected to result in an absent or disrupted protein product. Loss-of-function variants in LAMC3 are known to be pathogenic (PMID: 21572413, 26802095).

Literature cited by the submitters: PubMed 21572413; PubMed 26802095.